The following is an entry in ClinVar:

NM_002468.5(MYD88):c.657G>A (p.Met219Ile)

Gene: MYD88 (MYD88 innate immune signal transduction adaptor; plus strand). Cytogenetic location: 3p22.2.
Variant type: single nucleotide variant.
Coding change: c.657G>A on transcript NM_002468.5 (MANE Select); coding-DNA position 657, G replaced by A.
Protein change: p.Met219Ile; replaces methionine 219 with isoleucine.
Molecular consequence: missense variant. On other transcripts: nonsense (4), intron variant (1).
Genome position (GRCh38, 1-based): chr3:38,140,769, G>A. VCF-style: chr3-38140769-G-A. GRCh37 (hg19) VCF-style: chr3-38182260-G-A.
Other names: c.341G>A, p.Trp114Ter (NM_001172566.2); c.681G>A, p.Met227Ile (NM_001172567.2); c.522G>A, p.Met174Ile (NM_001172568.2); c.476G>A, p.Trp159Ter (NM_001172569.3); c.638G>A, p.Trp213Ter (NM_001365876.1); c.503G>A, p.Trp168Ter (NM_001365877.1); c.645-31G>A (NM_001374787.1); short protein forms M219I, W114*, W159*, W213*, M174I, M240I, M227I, W168*.
Identifiers: ClinVar variation 2115178 (VCV002115178.2), dbSNP rs2125779474, ClinGen allele CA352133276.

ClinVar aggregate classification (germline): Uncertain significance (1 of 4 stars; one submission).

Conditions:
Pyogenic bacterial infections due to MyD88 deficiency (IMD68). Also called: PYOGENIC BACTERIAL INFECTIONS, RECURRENT, DUE TO MYD88 DEFICIENCY. Identifiers: Orphanet 183713, MedGen C2677092, MONDO:0012839, OMIM 612260.

Submission:

Labcorp Genetics (formerly Invitae), Labcorp
Classification: Uncertain significance for Pyogenic bacterial infections due to MyD88 deficiency. Last evaluated: 2023-12-18. Review status: criteria provided, single submitter. Criteria: Invitae Variant Classification Sherloc (09022015). Collection method: clinical testing. Allele origin: germline.
Comment: This sequence change replaces methionine, which is neutral and non-polar, with isoleucine, which is neutral and non-polar, at codon 232 of the MYD88 protein (p.Met232Ile). This variant is not present in population databases (gnomAD no frequency). This variant has not been reported in the literature in individuals affected with MYD88-related conditions. ClinVar contains an entry for this variant (Variation ID: 2115178). An algorithm developed to predict the effect of missense changes on protein structure and function (PolyPhen-2) suggests that this variant is likely to be disruptive. In summary, the available evidence is currently insufficient to determine the role of this variant in disease. Therefore, it has been classified as a Variant of Uncertain Significance.